The following is an entry in ClinVar:

ClinVar aggregate classification (germline): Uncertain significance (1 of 4 stars; one submission).

gnomAD v4.1: 1 of 1,551,432 alleles (0.000064%); highest among the groups gnomAD compares: Non-Finnish European, 0.000087%; no homozygotes.

Submission:

Labcorp Genetics (formerly Invitae), Labcorp
Classification: Uncertain significance. Last evaluated: 2023-06-22. Review status: criteria provided, single submitter. Criteria: Invitae Variant Classification Sherloc (09022015). Collection method: clinical testing. Allele origin: germline.
Comment: In summary, the available evidence is currently insufficient to determine the role of this variant in disease. Therefore, it has been classified as a Variant of Uncertain Significance. An algorithm developed to predict the effect of missense changes on protein structure and function (PolyPhen-2) suggests that this variant is likely to be tolerated. This variant has not been reported in the literature in individuals affected with PACS2-related conditions. This variant is not present in population databases (gnomAD no frequency). This sequence change replaces leucine, which is neutral and non-polar, with phenylalanine, which is neutral and non-polar, at codon 375 of the PACS2 protein (p.Leu375Phe).

NM_001100913.3(PACS2):c.1123C>T (p.Leu375Phe)

Gene: PACS2 (phosphofurin acidic cluster sorting protein 2; plus strand). Cytogenetic location: 14q32.33.
Variant type: single nucleotide variant.
Coding change: c.1123C>T on transcript NM_001100913.3 (MANE Select); coding-DNA position 1123, C replaced by T.
Protein change: p.Leu375Phe; replaces leucine 375 with phenylalanine.
Molecular consequence: missense variant.
Genome position (GRCh38, 1-based): chr14:105,380,152, C>T. VCF-style: chr14-105380152-C-T. GRCh37 (hg19) VCF-style: chr14-105846489-C-T.
Other names: c.898C>T, p.Leu300Phe (NM_001243127.3); c.1123C>T, p.Leu375Phe (NM_015197.4); short protein forms L375F, L300F.
Identifiers: ClinVar variation 2711826 (VCV002711826.3), dbSNP rs2544791469, ClinGen allele CA391180869.